The following is an entry in ClinVar:

NM_001374675.1(HSF4):c.1315C>T (p.Pro439Ser)

Gene: HSF4 (heat shock transcription factor 4; plus strand). Cytogenetic location: 16q22.1.
Variant type: single nucleotide variant.
Coding change: c.1315C>T on transcript NM_001374675.1 (MANE Select); coding-DNA position 1315, C replaced by T.
Protein change: p.Pro439Ser; replaces proline 439 with serine.
Molecular consequence: missense variant.
Genome position (GRCh38, 1-based): chr16:67,169,339, C>T. VCF-style: chr16-67169339-C-T. GRCh37 (hg19) VCF-style: chr16-67203242-C-T.
Other names: c.1315C>T, p.Pro439Ser (NM_001040667.3); c.1225C>T, p.Pro409Ser (NM_001374674.1, NM_001538.4); short protein forms P409S, P439S.
Identifiers: ClinVar variation 886550 (VCV000886550.5), dbSNP rs777720209, ClinGen allele CA8102150.

ClinVar aggregate classification (germline): Conflicting classifications of pathogenicity. Review status: criteria provided, conflicting classifications (1 of 4 stars). 2 submissions from 2 submitters: Uncertain significance (1); Benign (1). Last evaluated 2025-01-26.

Conditions:
Inborn genetic diseases. Identifiers: MedGen C0950123, MeSH D030342.
Cataract 5 multiple types (CTRCT5). Also called: CATARACT 5, LAMELLAR; Lamellar cataract; CATARACT, MARNER TYPE. Identifiers: Orphanet 91492, MedGen C0266537, MONDO:0007290, OMIM 116800, HP:0007971.

Allele frequency attached by ClinVar (database versions not stated): gnomAD 0.00001; gnomAD exomes 0.00003 and 0.00006; TOPMed 0.00004; ExAC 0.00006.
gnomAD v4.1: 49 of 1,613,236 alleles (0.003%); highest among the groups gnomAD compares: East Asian, 0.1%; no homozygotes.

Submissions (2):

Ambry Genetics
Classification: Uncertain significance for Inborn genetic diseases. Last evaluated: 2025-01-26. Review status: criteria provided, single submitter. Criteria: Ambry Variant Classification Scheme 2023. Collection method: clinical testing. Allele origin: germline.

Illumina Laboratory Services, Illumina
Classification: Benign for Cataract 5 multiple types. Last evaluated: 2018-01-13. Review status: criteria provided, single submitter. Criteria: ICSL Variant Classification Criteria 13 December 2019. Collection method: clinical testing. Allele origin: germline.
Comment: This variant was observed in the ICSL laboratory as part of a predisposition screen in an ostensibly healthy population. It had not been previously curated by ICSL or reported in the Human Gene Mutation Database (HGMD: prior to June 1st, 2018), and was therefore a candidate for classification through an automated scoring system. Utilizing variant allele frequency, disease prevalence and penetrance estimates, and inheritance mode, an automated score was calculated to assess if this variant is too frequent to cause the disease. Based on the score and internal cut-off values, a variant classified as benign is not then subjected to further curation. The score for this variant resulted in a classification of benign for this disease.